The following is an entry in ClinVar:

ClinVar aggregate classification (germline): Likely benign (1 of 4 stars; one submission).

Submission:

CeGaT Center for Human Genetics Tuebingen
Classification: Likely benign. Last evaluated: 2022-03-01. Review status: criteria provided, single submitter. Criteria: CeGaT Center For Human Genetics Tuebingen Variant Classification Criteria Version 2. Collection method: clinical testing. Allele origin: germline. Affected: yes. Observed: 1 variant allele.
Comment: ALPK1: PM2:Supporting, BP4, BP7

NM_025144.4(ALPK1):c.1998G>A (p.Gln666=)

Gene: ALPK1 (alpha kinase 1; plus strand). Cytogenetic location: 4q25.
Variant type: single nucleotide variant.
Coding change: c.1998G>A on transcript NM_025144.4 (MANE Select); coding-DNA position 1998, G replaced by A.
Protein change: p.Gln666=; no amino-acid change (glutamine 666 retained).
Molecular consequence: synonymous variant.
Genome position (GRCh38, 1-based): chr4:112,431,545, G>A. VCF-style: chr4-112431545-G-A. GRCh37 (hg19) VCF-style: chr4-113352701-G-A.
Other names: c.1998G>A, p.Gln666= (NM_001102406.2); c.1764G>A, p.Gln588= (NM_001253884.2).
Identifiers: ClinVar variation 2655029 (VCV002655029.24), dbSNP rs2476505067, ClinGen allele CA440874136.
Genomic context (GRCh38, chr4:112,431,545, plus strand): 5'-TGATCTCTCTCTTCAGGAACCCAACAATGACAATTTGGAGCCTTCTCAAAATCAGCCACA[G>A]CAACAGATGCCCTTGACACCCTTCTCGCCTCATAATACCCCAGGCATTTTCTTGGCCCCT-3'
Protein context (NP_079420.3, residues 656-676): DNLEPSQNQP[Gln666=]QQMPLTPFSP